The following is an entry in ClinVar:

ClinVar aggregate classification (germline): Uncertain significance (1 of 4 stars; one submission).

Conditions:
Charcot-Marie-Tooth disease X-linked dominant 6. Also called: CHARCOT-MARIE-TOOTH NEUROPATHY, X-LINKED DOMINANT, 6. Identifiers: Orphanet 352675, MedGen C3806702, MONDO:0010479, OMIM 300905.

Allele frequency attached by ClinVar (database versions not stated): gnomAD exomes below 0.00001.
gnomAD v4.1: 1 of 1,200,497 alleles (0.000083%); highest among the groups gnomAD compares: Admixed American, 0.0022%; no homozygotes.

Submission:

Labcorp Genetics (formerly Invitae), Labcorp
Classification: Uncertain significance for Charcot-Marie-Tooth disease X-linked dominant 6. Last evaluated: 2023-10-24. Review status: criteria provided, single submitter. Criteria: Invitae Variant Classification Sherloc (09022015). Collection method: clinical testing. Allele origin: germline.
Comment: This sequence change replaces lysine, which is basic and polar, with glutamic acid, which is acidic and polar, at codon 405 of the PDK3 protein (p.Lys405Glu). This variant is not present in population databases (gnomAD no frequency). This variant has not been reported in the literature in individuals affected with PDK3-related conditions. An algorithm developed to predict the effect of missense changes on protein structure and function (PolyPhen-2) suggests that this variant is likely to be tolerated. In summary, the available evidence is currently insufficient to determine the role of this variant in disease. Therefore, it has been classified as a Variant of Uncertain Significance.

NM_005391.5(PDK3):c.1213A>G (p.Lys405Glu)

Gene: PDK3 (pyruvate dehydrogenase kinase 3; plus strand). Cytogenetic location: Xp22.11.
Variant type: single nucleotide variant.
Coding change: c.1213A>G on transcript NM_005391.5 (MANE Select); coding-DNA position 1213, A replaced by G.
Protein change: p.Lys405Glu; replaces lysine 405 with glutamic acid.
Molecular consequence: missense variant.
Genome position (GRCh38, 1-based): chrX:24,534,064, A>G. VCF-style: chrX-24534064-A-G. GRCh37 (hg19) VCF-style: chrX-24552181-A-G.
Other names: c.1213A>G, p.Lys405Glu (NM_001142386.3); short protein forms K405E.
Identifiers: ClinVar variation 2726061 (VCV002726061.3), dbSNP rs2518594173, ClinGen allele CA412603915.